The following is an entry in ClinVar:

ClinVar aggregate classification (germline): Uncertain significance. Review status: criteria provided, multiple submitters, no conflicts (2 of 4 stars). 2 submissions from 2 submitters: Uncertain significance (2). Last evaluated 2025-08-04.

Conditions:
Cardiovascular phenotype. Identifiers: MedGen CN230736.
Hereditary cancer-predisposing syndrome. Also called: Tumor predisposition; Neoplastic Syndromes, Hereditary; Hereditary Cancer Syndrome; Hereditary neoplastic syndrome. Identifiers: Orphanet 140162, MedGen C0027672, MeSH D009386, MONDO:0015356.

Submissions (2):

Labcorp Genetics (formerly Invitae), Labcorp
Classification: Uncertain significance. Last evaluated: 2025-08-04. Review status: criteria provided, single submitter. Criteria: Invitae Variant Classification Sherloc (09022015). Collection method: clinical testing. Allele origin: germline.
Comment: This sequence change replaces threonine, which is neutral and polar, with isoleucine, which is neutral and non-polar, at codon 378 of the LZTR1 protein (p.Thr378Ile). This variant is not present in population databases (gnomAD no frequency). This variant has not been reported in the literature in individuals affected with LZTR1-related conditions. ClinVar contains an entry for this variant (Variation ID: 1729022). Invitae Evidence Modeling of protein sequence and biophysical properties (such as structural, functional, and spatial information, amino acid conservation, physicochemical variation, residue mobility, and thermodynamic stability) indicates that this missense variant is not expected to disrupt LZTR1 protein function with a negative predictive value of 80%. In summary, the available evidence is currently insufficient to determine the role of this variant in disease. Therefore, it has been classified as a Variant of Uncertain Significance.

Ambry Genetics
Classification: Uncertain significance for Cardiovascular phenotype; Hereditary cancer-predisposing syndrome. Last evaluated: 2024-09-08. Review status: criteria provided, single submitter. Criteria: Ambry Variant Classification Scheme 2023. Collection method: clinical testing. Allele origin: germline.
Comment: The p.T378I variant (also known as c.1133C>T), located in coding exon 10 of the LZTR1 gene, results from a C to T substitution at nucleotide position 1133. The threonine at codon 378 is replaced by isoleucine, an amino acid with similar properties. This amino acid position is conserved. In addition, this alteration is predicted to be tolerated by in silico analysis. Since supporting evidence is limited at this time, the clinical significance of this alteration remains unclear.

NM_006767.4(LZTR1):c.1133C>T (p.Thr378Ile)

Gene: LZTR1 (leucine zipper like post translational regulator 1; plus strand). Cytogenetic location: 22q11.21.
Variant type: single nucleotide variant.
Coding change: c.1133C>T on transcript NM_006767.4 (MANE Select); coding-DNA position 1133, C replaced by T.
Protein change: p.Thr378Ile; replaces threonine 378 with isoleucine.
Molecular consequence: missense variant.
Genome position (GRCh38, 1-based): chr22:20,992,353, C>T. VCF-style: chr22-20992353-C-T. GRCh37 (hg19) VCF-style: chr22-21346642-C-T.
Other names: short protein forms T378I.
Identifiers: ClinVar variation 1729022 (VCV001729022.5), dbSNP rs2518618161, ClinGen allele CA410782126.